The following is an entry in ClinVar:

ClinVar aggregate classification (germline): Likely benign (1 of 4 stars; one submission).

Allele frequency attached by ClinVar (database versions not stated): gnomAD 0.00003 and 0.00004; TOPMed 0.00005; gnomAD exomes 0.00006 and 0.00009; ExAC 0.00011.
gnomAD v4.1: 86 of 1,602,734 alleles (0.0054%); highest among the groups gnomAD compares: Admixed American, 0.027%; no homozygotes.

Submission:

Laboratory for Molecular Medicine, Mass General Brigham Personalized Medicine
Classification: Likely benign. Last evaluated: 2016-05-20. Review status: criteria provided, single submitter. Criteria: LMM Criteria. Collection method: clinical testing. Allele origin: germline. Observed: 1 variant allele.
Comment: c.200-12C>T variant in intron 3 of MUC5B: This variant is not expected to have c linical significance because a C>T change at this position does not diverge from the splice consensus sequence and is therefore unlikely to impact splicing. It has been identified in 2/4872 African chromosomes by the Exome Aggregation Conso rtium (ExAC; dbSNP rs776408111).

NM_002458.3(MUC5B):c.200-12C>T

Gene: MUC5B (mucin 5B, oligomeric mucus/gel-forming; plus strand). Cytogenetic location: 11p15.5.
Variant type: single nucleotide variant.
Coding change: c.200-12C>T on transcript NM_002458.3 (MANE Select); 12 bases into the intron before coding-DNA position 200, C replaced by T.
Molecular consequence: intron variant.
Genome position (GRCh38, 1-based): chr11:1,226,603, C>T. VCF-style: chr11-1226603-C-T. GRCh37 (hg19) VCF-style: chr11-1247833-C-T.
Identifiers: ClinVar variation 505060 (VCV000505060.4), dbSNP rs776408111, ClinGen allele CA5803879.